The following is an entry in ClinVar:

NM_000059.4(BRCA2):c.4851dup (p.Asp1618Ter)

Gene: BRCA2 (BRCA2 DNA repair associated; plus strand). Cytogenetic location: 13q13.1.
Variant type: Duplication.
Coding change: c.4851dup on transcript NM_000059.4 (MANE Select); coding-DNA position 4851, one base duplicated (T; older notation c.4851dupT).
Protein change: p.Asp1618Ter; replaces aspartic acid 1618 with a stop codon.
Molecular consequence: nonsense. On other transcripts: intron variant (2), non-coding transcript variant (1).
Genome position (GRCh38, 1-based): chr13:32,339,206, T duplicated. VCF-style (leftmost placement, unchanged base first): chr13-32339205-G-GT. GRCh37 (hg19) VCF-style: chr13-32913342-G-GT.
Other names: c.1910-5352dup (NM_001406721.1); c.425-5352dup (NM_001406722.1); c.4851dup, p.Asp1618Ter (NM_001406719.1, NM_001406720.1, NM_001432077.1); short protein forms D1618*.
Identifiers: ClinVar variation 3382224 (VCV003382224.3).

ClinVar aggregate classification (germline): Likely pathogenic (1 of 4 stars; one submission).

Conditions:
Wilms tumor 1 (WT1). Also called: Wilms tumor, somatic. Identifiers: Orphanet 654, MedGen CN033288, MONDO:0008679, OMIM 194070.
Medulloblastoma (MDB). Also called: MEDULLOBLASTOMA PREDISPOSITION SYNDROME; Medulloblastoma, somatic. Identifiers: Orphanet 616, MedGen C0025149, MeSH D008527, MONDO:0007959, OMIM 155255, HP:0002885.
Pancreatic cancer, susceptibility to, 2. Identifiers: Orphanet 1333, MedGen C3150546, MONDO:0013235, OMIM 613347.
Breast-ovarian cancer, familial, susceptibility to, 2 (BROVCA2). Also called: BRCA2 Hereditary Breast and Ovarian Cancer. Identifiers: Orphanet 145, MedGen C2675520, MONDO:0012933, OMIM 612555. Disease mechanism: loss of function.
Glioma susceptibility 3 (GLM3). Also called: Glioblastoma 3. Identifiers: Orphanet 182067, Orphanet 360, MedGen C2751641, MONDO:0013093, OMIM 613029.
Fanconi anemia complementation group D1. Also called: BRCA2-Related Fanconi Anemia. Identifiers: Orphanet 319462, MedGen C1838457, MONDO:0011584, OMIM 605724.
Familial prostate cancer. Also called: Hereditary Prostate Cancer. Identifiers: MedGen C2931456, MONDO:0700275, OMIM 176807.
Familial cancer of breast. Also called: BREAST CANCER, FAMILIAL; Hereditary breast cancer; hereditary breast carcinoma. Identifiers: Orphanet 227535, MedGen C0346153, MONDO:0016419, OMIM 114480. Disease mechanism: loss of function.

Submission:

Juno Genomics, Hangzhou Juno Genomics, Inc
Classification: Likely pathogenic for Familial cancer of breast; Breast-ovarian cancer, familial, susceptibility to, 2; Glioma susceptibility 3; Medulloblastoma; Pancreatic cancer, susceptibility to, 2; Familial prostate cancer; Fanconi anemia complementation group D1; Wilms tumor 1. Review status: criteria provided, single submitter. Criteria: ACMG Guidelines, 2015. Collection method: clinical testing. Allele origin: germline.
Comment: Absent from controls (or at extremely low frequency if recessive) in Genome Aggregation Database.;Null variant in a gene where loss of function (LOF) is a known mechanism of disease.